The following is an entry in ClinVar:

NM_001558.4(IL10RA):c.1649G>A (p.Cys550Tyr)

Gene: IL10RA (interleukin 10 receptor subunit alpha; plus strand). Cytogenetic location: 11q23.3.
Variant type: single nucleotide variant.
Coding change: c.1649G>A on transcript NM_001558.4 (MANE Select); coding-DNA position 1649, G replaced by A.
Protein change: p.Cys550Tyr; replaces cysteine 550 with tyrosine.
Molecular consequence: missense variant. On other transcripts: non-coding transcript variant (1).
Genome position (GRCh38, 1-based): chr11:117,999,553, G>A. VCF-style: chr11-117999553-G-A. GRCh37 (hg19) VCF-style: chr11-117870268-G-A.
Other names: short protein forms C550Y.
Identifiers: ClinVar variation 3343753 (VCV003343753.2).

ClinVar aggregate classification (germline): Uncertain significance. Review status: criteria provided, multiple submitters, no conflicts (2 of 4 stars). 2 submissions from 2 submitters: Uncertain significance (2). Last evaluated 2025-02-20.

Conditions:
Inflammatory bowel disease 28. Also called: Inflammatory bowel disease 28, early onset, autosomal recessive. Identifiers: Orphanet 238569, MedGen C2751053, MONDO:0013153, OMIM 613148.

gnomAD v4.1: 42 of 1,614,200 alleles (0.0026%); highest among the groups gnomAD compares: East Asian, 0.091%; no homozygotes.

Submissions (2):

Labcorp Genetics (formerly Invitae), Labcorp
Classification: Uncertain significance for Inflammatory bowel disease 28. Last evaluated: 2025-02-20. Review status: criteria provided, single submitter. Criteria: Invitae Variant Classification Sherloc (09022015). Collection method: clinical testing. Allele origin: germline.
Comment: This sequence change replaces cysteine, which is neutral and slightly polar, with tyrosine, which is neutral and polar, at codon 550 of the IL10RA protein (p.Cys550Tyr). This variant is present in population databases (rs761044558, gnomAD 0.02%). This variant has not been reported in the literature in individuals affected with IL10RA-related conditions. ClinVar contains an entry for this variant (Variation ID: 3343753). Invitae Evidence Modeling of protein sequence and biophysical properties (such as structural, functional, and spatial information, amino acid conservation, physicochemical variation, residue mobility, and thermodynamic stability) indicates that this missense variant is not expected to disrupt IL10RA protein function with a negative predictive value of 80%. In summary, the available evidence is currently insufficient to determine the role of this variant in disease. Therefore, it has been classified as a Variant of Uncertain Significance.

GeneDx
Classification: Uncertain significance. Last evaluated: 2023-05-19. Review status: criteria provided, single submitter. Criteria: GeneDx Variant Classification Process June 2021. Collection method: clinical testing. Allele origin: germline. Affected: yes.
Comment: In silico analysis supports that this missense variant does not alter protein structure/function; Has not been previously published as pathogenic or benign to our knowledge